The following is an entry in ClinVar:

NM_020066.5(FMN2):c.910G>A (p.Ala304Thr)

Gene: FMN2 (formin 2; plus strand). Cytogenetic location: 1q43.
Variant type: single nucleotide variant.
Coding change: c.910G>A on transcript NM_020066.5 (MANE Select); coding-DNA position 910, G replaced by A.
Protein change: p.Ala304Thr; replaces alanine 304 with threonine.
Molecular consequence: missense variant.
Genome position (GRCh38, 1-based): chr1:240,093,019, G>A. VCF-style: chr1-240093019-G-A. GRCh37 (hg19) VCF-style: chr1-240256319-G-A.
Other names: c.910G>A, p.Ala304Thr (NM_001305424.2, NM_001348094.2); short protein forms A304T.
Identifiers: ClinVar variation 3253463 (VCV003253463.2), dbSNP rs1007515366.

ClinVar aggregate classification (germline): Uncertain significance (1 of 4 stars; one submission).

Allele frequency attached by ClinVar (database versions not stated): gnomAD exomes 0.00001; TOPMed 0.00002.
gnomAD v4.1: 4 of 1,396,044 alleles (0.00029%); highest among the groups gnomAD compares: East Asian, 0.0029%; no homozygotes.

Submission:

GeneDx
Classification: Uncertain significance. Last evaluated: 2025-10-20. Review status: criteria provided, single submitter. Criteria: GeneDx Variant Classification Process June 2021. Collection method: clinical testing. Allele origin: germline.
Comment: Not observed at significant frequency in large population cohorts (gnomAD); In silico analysis suggests that this missense variant does not alter protein structure/function; Has not been previously published as pathogenic or benign to our knowledge